The following is an entry in ClinVar:

NM_001164508.2(NEB):c.3042+3_3042+6del

Gene: NEB (nebulin; minus strand). Cytogenetic location: 2q23.3.
Variant type: Deletion.
Coding change: c.3042+3_3042+6del on transcript NM_001164508.2 (MANE Select); bases 3 to 6 of the intron after coding-DNA position 3042, 4 bases deleted (AAGT; older notation c.3042+3_3042+6delAAGT).
Molecular consequence: splice donor variant.
Genome position (GRCh38, 1-based): chr2:151,680,724-151,680,727, ACTT deleted on the plus strand (AAGT on the coding strand, the reverse complement: NEB is on the minus strand); deleting any 4 consecutive bases within chr2:151,680,724-151,680,729 gives the same sequence; the c. name uses the placement nearest the transcript's 3' end. VCF-style (leftmost placement, unchanged base first): chr2-151680723-CACTT-C. GRCh37 (hg19) VCF-style: chr2-152537237-CACTT-C.
Other names: c.3042+3_3042+6del (NM_004543.5, NM_001164507.2, NM_001271208.2).
Identifiers: ClinVar variation 944096 (VCV000944096.8), dbSNP rs2099408346, ClinGen allele CA1139657256.

ClinVar aggregate classification (germline): Uncertain significance (1 of 4 stars; one submission).

Conditions:
Nemaline myopathy 2 (NEM2). Also called: Nemaline myopathy 2, autosomal recessive. Identifiers: MedGen C1850569, MONDO:0009725, OMIM 256030.

Submission:

Labcorp Genetics (formerly Invitae), Labcorp
Classification: Uncertain significance for Nemaline myopathy 2. Last evaluated: 2019-08-23. Review status: criteria provided, single submitter. Criteria: Invitae Variant Classification Sherloc (09022015). Collection method: clinical testing. Allele origin: germline.
Comment: This variant is not present in population databases (ExAC no frequency). In summary, the available evidence is currently insufficient to determine the role of this variant in disease. Therefore, it has been classified as a Variant of Uncertain Significance. Nucleotide substitutions within the consensus splice site are a relatively common cause of aberrant splicing (PMID: 17576681, 9536098). Algorithms developed to predict the effect of sequence changes on RNA splicing suggest that this variant may disrupt the consensus splice site, but this prediction has not been confirmed by published transcriptional studies. This variant has not been reported in the literature in individuals with NEB-related conditions. This sequence change falls in intron 30 of the NEB gene. It does not directly change the encoded amino acid sequence of the NEB protein, but it affects a nucleotide within the consensus splice site of the intron.

Literature cited by the submitters: PubMed 17576681; PubMed 9536098.